The following is an entry in ClinVar:

NM_001943.5(DSG2):c.908C>T (p.Ser303Phe)

Gene: DSG2 (desmoglein 2; plus strand). Cytogenetic location: 18q12.1.
Variant type: single nucleotide variant.
Coding change: c.908C>T on transcript NM_001943.5 (MANE Select); coding-DNA position 908, C replaced by T.
Protein change: p.Ser303Phe; replaces serine 303 with phenylalanine.
Molecular consequence: missense variant.
Genome position (GRCh38, 1-based): chr18:31,524,782, C>T. VCF-style: chr18-31524782-C-T. GRCh37 (hg19) VCF-style: chr18-29104745-C-T.
Other names: c.908C>T (LRG_397t1); short protein forms S303F.
Identifiers: ClinVar variation 410368 (VCV000410368.16), dbSNP rs757792714, ClinGen allele CA050446.

ClinVar aggregate classification (germline): Uncertain significance. Review status: criteria provided, multiple submitters, no conflicts (2 of 4 stars). 7 submissions from 7 submitters: Uncertain significance (7). Last evaluated 2025-08-03.

Conditions:
Cardiovascular phenotype. Identifiers: MedGen CN230736.
Arrhythmogenic right ventricular dysplasia 10. Also called: Arrhythmogenic right ventricular dysplasia/cardiomyopathy, type 10; Arrhythmogenic Right Ventricular Dysplasia/Cardiomyopathy10; ARRHYTHMOGENIC RIGHT VENTRICULAR DYSPLASIA, FAMILIAL, 10. Identifiers: MedGen C1857777, MONDO:0012434, OMIM 610193.
Dilated cardiomyopathy 1BB (CMD1BB). Also called: CARDIOMYOPATHY, DILATED, 1BB, SUSCEPTIBILITY TO. Identifiers: Orphanet 154, MedGen C2752072, MONDO:0013030, OMIM 612877.
Arrhythmogenic right ventricular cardiomyopathy (ARVD). Also called: Cardiomyopathy, ARVC; Arrhythmogenic right ventricular dysplasia; Arrhythmogenic cardiomyopathy; Arrhythmogenic Right Ventricular Cardiomyopathy (ARVC). Identifiers: Orphanet 247, MedGen C0349788, MeSH D019571, MONDO:0016587. Disease mechanism: loss of function. Inheritance: Various modes of inheritance.
Cardiomyopathy (CMYO). Also called: Cardiomyopathies. Identifiers: Orphanet 167848, MedGen C0878544, MONDO:0004994, HP:0001638. Inheritance: Various modes of inheritance.

Allele frequency attached by ClinVar (database versions not stated): ExAC 0.00001; gnomAD 0.00001; gnomAD exomes 0.00001; TOPMed 0.00002.
gnomAD v4.1: 13 of 1,614,004 alleles (0.00081%); highest among the groups gnomAD compares: Admixed American, 0.0017%; no homozygotes.

Submissions (7):

Labcorp Genetics (formerly Invitae), Labcorp
Classification: Uncertain significance for Arrhythmogenic right ventricular dysplasia 10. Last evaluated: 2025-08-03. Review status: criteria provided, single submitter. Criteria: Invitae Variant Classification Sherloc (09022015). Collection method: clinical testing. Allele origin: germline.
Comment: This sequence change replaces serine, which is neutral and polar, with phenylalanine, which is neutral and non-polar, at codon 303 of the DSG2 protein (p.Ser303Phe). This variant is present in population databases (rs757792714, gnomAD 0.002%). This missense change has been observed in individual(s) with clinical features of arrhythmogenic right ventricular cardiomyopathy (PMID: 27532257, 32268277). ClinVar contains an entry for this variant (Variation ID: 410368). Invitae Evidence Modeling of protein sequence and biophysical properties (such as structural, functional, and spatial information, amino acid conservation, physicochemical variation, residue mobility, and thermodynamic stability) has been performed for this missense variant. However, the output from this modeling did not meet the statistical confidence thresholds required to predict the impact of this variant on DSG2 protein function. In summary, the available evidence is currently insufficient to determine the role of this variant in disease. Therefore, it has been classified as a Variant of Uncertain Significance.

Ambry Genetics
Classification: Uncertain significance for Cardiovascular phenotype. Last evaluated: 2025-07-09. Review status: criteria provided, single submitter. Criteria: Ambry Variant Classification Scheme 2023. Collection method: clinical testing. Allele origin: germline.
Comment: The p.S303F variant (also known as c.908C>T), located in coding exon 8 of the DSG2 gene, results from a C to T substitution at nucleotide position 908. The serine at codon 303 is replaced by phenylalanine, an amino acid with highly dissimilar properties. This alteration has been reported in association with arrhythmogenic right ventricular cardiomyopathy (ARVC) (Walsh R et al. Genet Med, 2017 Feb;19:192-203; Campuzano O et al. EBioMedicine, 2020 Apr;54:102732). This amino acid position is well conserved in available vertebrate species. In addition, the in silico prediction for this alteration is inconclusive. Since supporting evidence is limited at this time, the clinical significance of this alteration remains unclear.

Molecular Diagnostic Laboratory for Inherited Cardiovascular Disease, Montreal Heart Institute
Classification: Uncertain significance for Cardiovascular phenotype. Last evaluated: 2025-04-09. Review status: criteria provided, single submitter. Criteria: ACMG Guidelines, 2015. Collection method: clinical testing. Allele origin: germline. Affected: yes.

All of Us Research Program, National Institutes of Health
Classification: Uncertain significance for Arrhythmogenic right ventricular cardiomyopathy. Last evaluated: 2024-02-22. Review status: criteria provided, single submitter. Criteria: ACMG Guidelines, 2015. Collection method: clinical testing. Allele origin: germline. Inheritance: Autosomal dominant inheritance. Observed: 1 variant allele, 1 heterozygote.
Comment: This missense variant replaces serine with phenylalanine at codon 303 of the DSG2 protein. Computational prediction suggests that this variant may not impact protein structure and function (internally defined REVEL score threshold <= 0.5, PMID: 27666373). To our knowledge, functional studies have not been reported for this variant. This variant has been reported in an individual affected with arrhythmogenic cardiomyopathy (PMID: 32268277). This variant has been identified in 2/249400 chromosomes in the general population by the Genome Aggregation Database (gnomAD). The available evidence is insufficient to determine the role of this variant in disease conclusively. Therefore, this variant is classified as a Variant of Uncertain Significance.

This study involves interpretation of variants in research participants for the purpose of population health screening. Participant phenotype was not available at the time of variant classification. Additional details can be found in publication PMID: 35346344, PMCID: PMC8962531

Color Diagnostics, LLC DBA Color Health
Classification: Uncertain significance for Cardiomyopathy. Last evaluated: 2024-02-07. Review status: criteria provided, single submitter. Criteria: ACMG Guidelines, 2015. Collection method: clinical testing. Allele origin: germline.
Comment: This missense variant replaces serine with phenylalanine at codon 303 of the DSG2 protein. Computational prediction suggests that this variant may not impact protein structure and function (internally defined REVEL score threshold <= 0.5, PMID: 27666373). To our knowledge, functional studies have not been reported for this variant. This variant has been reported in an individual affected with arrhythmogenic cardiomyopathy (PMID: 32268277). This variant has been identified in 2/249400 chromosomes in the general population by the Genome Aggregation Database (gnomAD). The available evidence is insufficient to determine the role of this variant in disease conclusively. Therefore, this variant is classified as a Variant of Uncertain Significance.

Fulgent Genetics
Classification: Uncertain significance for Arrhythmogenic right ventricular dysplasia 10; Dilated cardiomyopathy 1BB. Last evaluated: 2021-07-28. Review status: criteria provided, single submitter. Criteria: ACMG Guidelines, 2015. Collection method: clinical testing. Allele origin: unknown.

GeneDx
Classification: Uncertain significance. Last evaluated: 2020-12-16. Review status: criteria provided, single submitter. Criteria: GeneDx Variant Classification Process June 2021. Collection method: clinical testing. Allele origin: germline. Affected: yes.
Comment: Identified in one individual with arrhythmogenic right ventricular cardiomyopathy (ARVC) in published literature (Walsh et al., 2017); Not observed at a significant frequency in large population cohorts (Lek et al., 2016); In silico analysis supports that this missense variant has a deleterious effect on protein structure/function; Reported in ClinVar but additional evidence is not available (ClinVar Variant ID#410368; Landrum et al., 2016); This variant is associated with the following publications: (PMID: 31402444, 27532257)

Literature cited by the submitters: PubMed 27532257 (cited by Labcorp Genetics (formerly Invitae), Labcorp and Ambry Genetics); PubMed 32268277 (cited by 4 submitters); PubMed 31402444 (cited by Ambry Genetics).